The following is an entry in ClinVar:

NM_017780.4(CHD7):c.3566G>A (p.Arg1189His)

Gene: CHD7 (chromodomain helicase DNA binding protein 7; plus strand). Cytogenetic location: 8q12.2.
Variant type: single nucleotide variant.
Coding change: c.3566G>A on transcript NM_017780.4 (MANE Select); coding-DNA position 3566, G replaced by A.
Protein change: p.Arg1189His; replaces arginine 1189 with histidine.
Molecular consequence: missense variant. On other transcripts: intron variant (1).
Genome position (GRCh38, 1-based): chr8:60,830,365, G>A. VCF-style: chr8-60830365-G-A. GRCh37 (hg19) VCF-style: chr8-61742924-G-A.
Other names: c.1717-31864G>A (NM_001316690.1); c.3566G>A (NM_017780.2); short protein forms R1189H.
Identifiers: ClinVar variation 434762 (VCV000434762.14), dbSNP rs1554599432, ClinGen allele CA371314997.
Genomic context (GRCh38, chr8:60,830,365, plus strand): 5'-TTAAGGTCCTTTTTTAGGTGCAAAAACTTCAAGCTATTCTAAAGCCAATGATGTTGAGAC[G>A]TCTCAAAGAGGATGTAGAAAAGAACTTGGCCCCCAAAGAAGAAACTATTATTGAAGTTGA-3'
Protein context (NP_060250.2, residues 1179-1199): QAILKPMMLR[Arg1189His]LKEDVEKNLA

ClinVar aggregate classification (germline): Uncertain significance. Review status: criteria provided, multiple submitters, no conflicts (2 of 4 stars). 4 submissions from 4 submitters: Uncertain significance (4). Last evaluated 2025-05-14.

Conditions:
CHARGE syndrome (CHARGE). Also called: Hittner Hirsch Kreh syndrome; CHARGE ASSOCIATION--COLOBOMA, HEART ANOMALY, CHOANAL ATRESIA, RETARDATION, GENITAL AND EAR ANOMALIES; Coloboma, heart anomaly, choanal atresia, retardation, genital and ear anomalies; CHARGE association; Hall-Hittner syndrome. Identifiers: Orphanet 138, MedGen C0265354, MONDO:0008965.

Allele frequency attached by ClinVar (database versions not stated): gnomAD exomes below 0.00001; TOPMed below 0.00001.
gnomAD v4.1: 2 of 1,613,844 alleles (0.00012%); highest among the groups gnomAD compares: South Asian, 0.0011%; no homozygotes.

Submissions (4):

Women's Health and Genetics/Laboratory Corporation of America, LabCorp
Classification: Uncertain significance. Last evaluated: 2025-05-14. Review status: criteria provided, single submitter. Criteria: LabCorp Variant Classification Summary - May 2015. Collection method: clinical testing. Allele origin: germline.
Comment: Variant summary: CHD7 c.3566G>A (p.Arg1189His) results in a non-conservative amino acid change located in the SNF2, N-terminal domain (IPR000330) of the encoded protein sequence. Algorithms developed to predict the effect of missense changes on protein structure and function all suggest that this variant is likely to be disruptive. The variant was absent in 249190 control chromosomes (gnomAD). The available data on variant occurrences in the general population are insufficient to allow any conclusion about variant significance. c.3566G>A has been reported in the literature in individuals affected with Autism Spectrum Disorder, CHARGE syndrome, or Kallmann syndrome (Jiang_2013, Butcher_2017, Stessman_2017, Nomakuchi_2023). These reports do not provide unequivocal conclusions about association of the variant with Hypogonadotropic Hypogonadism 5 With Or Without Anosmia. To our knowledge, no experimental evidence demonstrating an impact on protein function has been reported. The following publications have been ascertained in the context of this evaluation (PMID: 28191889, 29304373, 28475860, 23849776, 36794641). ClinVar contains an entry for this variant (Variation ID: 434762). Based on the evidence outlined above, the variant was classified as uncertain significance.

Labcorp Genetics (formerly Invitae), Labcorp
Classification: Uncertain significance for CHARGE syndrome. Last evaluated: 2025-03-12. Review status: criteria provided, single submitter. Criteria: Invitae Variant Classification Sherloc (09022015). Collection method: clinical testing. Allele origin: germline.
Comment: This sequence change replaces arginine, which is basic and polar, with histidine, which is basic and polar, at codon 1189 of the CHD7 protein (p.Arg1189His). This variant is not present in population databases (gnomAD no frequency). This missense change has been observed in individual(s) with clinical features of CHD7-related conditions and/or Kallmann syndrome (PMID: 23849776, 28191889, 28475860, 29304373, 36794641). ClinVar contains an entry for this variant (Variation ID: 434762). Invitae Evidence Modeling of protein sequence and biophysical properties (such as structural, functional, and spatial information, amino acid conservation, physicochemical variation, residue mobility, and thermodynamic stability) indicates that this missense variant is expected to disrupt CHD7 protein function with a positive predictive value of 95%. This variant disrupts the p.Arg1189 amino acid residue in CHD7. Other variant(s) that disrupt this residue have been observed in individuals with CHD7-related conditions (internal data), which suggests that this may be a clinically significant amino acid residue. In summary, the available evidence is currently insufficient to determine the role of this variant in disease. Therefore, it has been classified as a Variant of Uncertain Significance.

GeneDx
Classification: Uncertain significance. Last evaluated: 2024-03-22. Review status: criteria provided, single submitter. Criteria: GeneDx Variant Classification Process June 2021. Collection method: clinical testing. Allele origin: germline. Affected: yes.
Comment: Not observed at significant frequency in large population cohorts (gnomAD); In silico analysis supports that this missense variant has a deleterious effect on protein structure/function; This variant is associated with the following publications: (PMID: 36794641, 29304373, 28191889, 23849776, 28475860)

Genetic Services Laboratory, University of Chicago
Classification: Uncertain significance. Last evaluated: 2016-08-11. Review status: criteria provided, single submitter. Criteria: ACMG Guidelines, 2015. Collection method: clinical testing. Allele origin: germline. Affected: no.

Literature cited by the submitters: PubMed 28191889 (cited by Women's Health and Genetics/Laboratory Corporation of America, LabCorp and Labcorp Genetics (formerly Invitae), Labcorp); PubMed 29304373 (cited by Women's Health and Genetics/Laboratory Corporation of America, LabCorp and Labcorp Genetics (formerly Invitae), Labcorp); PubMed 28475860 (cited by Women's Health and Genetics/Laboratory Corporation of America, LabCorp and Labcorp Genetics (formerly Invitae), Labcorp); PubMed 23849776 (cited by Women's Health and Genetics/Laboratory Corporation of America, LabCorp and Labcorp Genetics (formerly Invitae), Labcorp); PubMed 36794641 (cited by Women's Health and Genetics/Laboratory Corporation of America, LabCorp and Labcorp Genetics (formerly Invitae), Labcorp).